The following is an entry in ClinVar:

NC_000018.9:g.(?_43523107)_(43524105_?)dup

Gene: EPG5 (ectopic P-granules 5 autophagy tethering factor; minus strand). Cytogenetic location: 18q21.1.
Variant type: Duplication.
Identifiers: ClinVar variation 3242749 (VCV003242749.1).

ClinVar aggregate classification (germline): Likely pathogenic (1 of 4 stars; one submission).

Conditions:
Vici syndrome (VICIS). Identifiers: Orphanet 1493, MedGen C1855772, MONDO:0009452, OMIM 242840.

Submission:

Labcorp Genetics (formerly Invitae), Labcorp
Classification: Likely pathogenic for Vici syndrome. Last evaluated: 2023-04-19. Review status: criteria provided, single submitter. Criteria: Invitae Variant Classification Sherloc (09022015). Collection method: clinical testing. Allele origin: unknown.
Comment: In summary, the currently available evidence indicates that the variant is pathogenic, but additional data are needed to prove that conclusively. Therefore, this variant has been classified as Likely Pathogenic. This variant has not been reported in the literature in individuals affected with EPG5-related conditions. This variant results in a copy number gain of the genomic region encompassing exon(s) 8-9 of the EPG5 gene. While the exact position of this variant cannot be determined from the data, sub-genic copy number gains are generally in tandem (PMID: 25640679). This variant is predicted to be out-of-frame, and may result in an absent or disrupted protein product. Loss-of-function variants in EPG5 are known to be pathogenic (PMID: 23222957, 23674064).

Literature cited by the submitters: PubMed 25640679; PubMed 23222957; PubMed 23674064.